The following is an entry in ClinVar:

ClinVar aggregate classification (germline): Likely benign. Review status: criteria provided, multiple submitters, no conflicts (2 of 4 stars). 2 submissions from 2 submitters: Likely benign (2). Last evaluated 2025-10-27.

Conditions:
Hereditary spastic paraplegia 30. Identifiers: Orphanet 101010, MedGen C5235139, MONDO:0012476.
Intellectual disability, autosomal dominant 9 (NESCAVS). Also called: NESCAV SYNDROME; KIF1A-Related Neurodevelopmental Disorder. Identifiers: Orphanet 662367, MedGen C5393830, MONDO:0013656, OMIM 614255.
Neuropathy, hereditary sensory, type 2C. Also called: KIF1A-Related HSAN2 (HSAN2C); Hereditary sensory and autonomic neuropathy type IIC. Identifiers: Orphanet 970, MedGen C3280168, MONDO:0013634, OMIM 614213.

Allele frequency attached by ClinVar (database versions not stated): ESP Exome Variant Server 0.00008; gnomAD 0.00009; 1000 Genomes Project 30x 0.00031.
gnomAD v4.1: 22 of 1,604,982 alleles (0.0014%); highest among the groups gnomAD compares: African/African-American, 0.02%; no homozygotes.

Submissions (2):

Labcorp Genetics (formerly Invitae), Labcorp
Classification: Likely benign for Hereditary spastic paraplegia 30; Neuropathy, hereditary sensory, type 2C; Intellectual disability, autosomal dominant 9. Last evaluated: 2025-10-27. Review status: criteria provided, single submitter. Criteria: Invitae Variant Classification Sherloc (09022015). Collection method: clinical testing. Allele origin: germline.

Mayo Clinic Laboratories, Mayo Clinic
Classification: Likely benign. Last evaluated: 2025-07-18. Review status: criteria provided, single submitter. Criteria: ACMG Guidelines, 2015. Collection method: clinical testing. Allele origin: germline. Observed: 1 variant allele.
Comment: BP4, BP7

NM_001244008.2(KIF1A):c.2319C>T (p.Pro773=)

Gene: KIF1A (kinesin family member 1A; minus strand). Cytogenetic location: 2q37.3.
Variant type: single nucleotide variant.
Coding change: c.2319C>T on transcript NM_001244008.2 (MANE Select); coding-DNA position 2319, C replaced by T.
Protein change: p.Pro773=; no amino-acid change (proline 773 retained).
Molecular consequence: synonymous variant.
Genome position (GRCh38, 1-based): chr2:240,760,790, G>A on the plus strand (C>T on the coding strand, the complement: KIF1A is on the minus strand). VCF-style: chr2-240760790-G-A. GRCh37 (hg19) VCF-style: chr2-241700207-G-A.
Other names: p.Pro764=; c.2292C>T (NM_004321.7); c.2319C>T, p.Pro773= (NM_001320705.2, NM_001330289.2, NM_001379638.1); c.2394C>T, p.Pro798= (NM_001330290.2, NM_001379631.1, NM_001379634.1 and 2 more transcripts); c.2292C>T, p.Pro764= (NM_001379632.1, NM_001379633.1, NM_001379636.1 and 10 more transcripts); c.2367C>T, p.Pro789= (NM_001379637.1, NM_001379648.1).
Identifiers: ClinVar variation 1619400 (VCV001619400.9), dbSNP rs372521119, ClinGen allele CA2208130.
Genomic context (GRCh38, chr2:240,760,790, plus strand): 5'-AATGGTGCGGGGGAAGGGCCGCGTCTCTCGGTCTTTGGCGGCCTCTGGGGGCAGCAGGTC[G>A]GGTGGCAGAGGGGAGTAGAGTGTGTCCGTCAGGAGGACAAACTGGAATTGTACCTGTGAC-3'
Protein context (NP_001230937.1, residues 763-783): LTDTLYSPLP[Pro773=]DLLPPEAAKD